The following is an entry in ClinVar:

ClinVar aggregate classification (germline): Conflicting classifications of pathogenicity. Review status: criteria provided, conflicting classifications (1 of 4 stars). 4 submissions from 4 submitters: Likely pathogenic (1); Uncertain significance (3). Last evaluated 2025-09-11.

Conditions:
Vitamin D-dependent rickets, type 1A. Also called: VITAMIN D HYDROXYLATION-DEFICIENT RICKETS, TYPE 1A; PDDR IA; PSEUDOVITAMIN D-DEFICIENCY RICKETS, TYPE IA. Identifiers: MedGen CN283242, MONDO:0020723, OMIM 264700.

Allele frequency attached by ClinVar (database versions not stated): gnomAD exomes below 0.00001; ExAC 0.00001.

Submissions (4):

Women's Health and Genetics/Laboratory Corporation of America, LabCorp
Classification: Uncertain significance. Last evaluated: 2025-09-11. Review status: criteria provided, single submitter. Criteria: LabCorp Variant Classification Summary - May 2015. Collection method: clinical testing. Allele origin: germline.
Comment: Variant summary: CYP27B1 c.779T>G (p.Met260Arg) results in a non-conservative amino acid change in the encoded protein sequence. Algorithms developed to predict the effect of missense changes on protein structure and function are either unavailable or do not agree on the potential impact of this missense change. The variant allele was found at a frequency of 4e-06 in 249974 control chromosomes. The available data on variant occurrences in the general population are insufficient to allow any conclusion about variant significance. c.779T>G has been observed in one individual affected with Vitamin D-dependent rickets (Dodamani_2021). These report(s) do not provide unequivocal conclusions about association of the variant with Vitamin D-dependent rickets. To our knowledge, no experimental evidence demonstrating an impact on protein function has been reported. The following publication has been ascertained in the context of this evaluation (PMID: 34492747). ClinVar contains an entry for this variant (Variation ID: 2627673). Based on the evidence outlined above, the variant was classified as uncertain significance.

Foundation for Research in Genetics and Endocrinology, FRIGE's Institute of Human Genetics
Classification: Uncertain significance for Vitamin D-dependent rickets, type 1A. Last evaluated: 2025-09-03. Review status: criteria provided, single submitter. Criteria: ACMG Guidelines, 2015. Collection method: clinical testing. Allele origin: germline. Inheritance: Autosomal recessive inheritance. Affected: yes. Observed: 1 variant allele, 1 homozygote.
Comment: A homozygous variant c.779T>G (p.Met260Arg) was detected in exon 4 of the CYP27B1 gene. This variant results in the substitution of methionine by arginine at codon 260. This variant has not been reported in the 1000 genomes and has a minor allele frequency of 0.0001% in the gnomAD databases. The in-silico prediction of the variant is deleterious by MutationTaster and DANN. In summary, the variant meets our criteria to be classified as variant of uncertain significance.

Labcorp Genetics (formerly Invitae), Labcorp
Classification: Uncertain significance. Last evaluated: 2024-01-15. Review status: criteria provided, single submitter. Criteria: Invitae Variant Classification Sherloc (09022015). Collection method: clinical testing. Allele origin: germline.
Comment: This sequence change replaces methionine, which is neutral and non-polar, with arginine, which is basic and polar, at codon 260 of the CYP27B1 protein (p.Met260Arg). This variant is present in population databases (rs752696414, gnomAD 0.003%). This variant has not been reported in the literature in individuals affected with CYP27B1-related conditions. ClinVar contains an entry for this variant (Variation ID: 2627673). Advanced modeling of protein sequence and biophysical properties (such as structural, functional, and spatial information, amino acid conservation, physicochemical variation, residue mobility, and thermodynamic stability) has been performed at Invitae for this missense variant, however the output from this modeling did not meet the statistical confidence thresholds required to predict the impact of this variant on CYP27B1 protein function. Algorithms developed to predict the effect of sequence changes on RNA splicing suggest that this variant may create or strengthen a splice site. In summary, the available evidence is currently insufficient to determine the role of this variant in disease. Therefore, it has been classified as a Variant of Uncertain Significance.

Neuberg Centre For Genomic Medicine, NCGM
Classification: Likely pathogenic for Vitamin D-dependent rickets, type 1A. Last evaluated: 2023-05-20. Review status: criteria provided, single submitter. Criteria: ACMG Guidelines, 2015. Collection method: clinical testing. Allele origin: germline. Inheritance: Autosomal recessive inheritance. Affected: yes.
Comment: The observed missense c.779T>G (p.Met260Arg) variant in CYP27B1 gene has been previously reported in an individual affected with vitamin D dependent ricket (Dodamani et al., 2021). The p.Met260Arg variant is present with allele frequency of 0.0004% in gnomAD Exomes. This variant has not been submitted to the ClinVar database. Multiple lines of computational evidence (Polyphen - Probably Damaging, SIFT - Damaging and MutationTaster - Disease Causing) predict a damaging effect on protein structure and function for this variant. The amino acid change p.Met260Arg in CYP27B1 is predicted as conserved by GERP++ and PhyloP across 100 vertebrates. The amino acid Met at position 260 is changed to a Arg changing protein sequence and it might alter its composition and physico-chemical properties. However, additional functional studies will be required to prove the pathogenciity of this variant. For these reasons, this variant has been classified as Likely pathogenic.

Literature cited by the submitters: PubMed 34492747 (cited by Women's Health and Genetics/Laboratory Corporation of America, LabCorp).

NM_000785.4(CYP27B1):c.779T>G (p.Met260Arg)

Gene: CYP27B1 (cytochrome P450 family 27 subfamily B member 1; minus strand). Cytogenetic location: 12q14.1.
Variant type: single nucleotide variant.
Coding change: c.779T>G on transcript NM_000785.4 (MANE Select); coding-DNA position 779, T replaced by G.
Protein change: p.Met260Arg; replaces methionine 260 with arginine.
Molecular consequence: missense variant.
Genome position (GRCh38, 1-based): chr12:57,765,022, A>C on the plus strand (T>G on the coding strand, the complement: CYP27B1 is on the minus strand). VCF-style: chr12-57765022-A-C. GRCh37 (hg19) VCF-style: chr12-58158805-A-C.
Other names: p.Met260Arg; short protein forms M260R.
Identifiers: ClinVar variation 2627673 (VCV002627673.7), dbSNP rs752696414, ClinGen allele CA6658337.